The following is an entry in ClinVar:

NM_020738.4(KIDINS220):c.4850T>C (p.Leu1617Pro)

Gene: KIDINS220 (kinase D interacting substrate 220; minus strand). Cytogenetic location: 2p25.1.
Variant type: single nucleotide variant.
Coding change: c.4850T>C on transcript NM_020738.4 (MANE Select); coding-DNA position 4850, T replaced by C.
Protein change: p.Leu1617Pro; replaces leucine 1617 with proline.
Molecular consequence: missense variant. On other transcripts: intron variant (6).
Genome position (GRCh38, 1-based): chr2:8,731,186, A>G on the plus strand (T>C on the coding strand, the complement: KIDINS220 is on the minus strand). VCF-style: chr2-8731186-A-G. GRCh37 (hg19) VCF-style: chr2-8871316-A-G.
Other names: c.4850T>C (NM_020738.2); c.4793T>C, p.Leu1598Pro (NM_001348732.2); c.4682T>C, p.Leu1561Pro (NM_001348734.2); c.4679T>C, p.Leu1560Pro (NM_001348735.2); c.4553T>C, p.Leu1518Pro (NM_001348736.2); c.3882+2258T>C (NM_001348741.2, NM_001348742.2, NM_001348743.2); c.3996+2258T>C (NM_001348738.2); c.3885+2258T>C (NM_001348739.2, NM_001348740.2); and 2 more; short protein forms L1518P, L1560P, L1561P, L1598P, L1599P, L1617P, L1618P.
Identifiers: ClinVar variation 1679777 (VCV001679777.3), dbSNP rs1664034594, ClinGen allele CA345762686.
Genomic context (GRCh38, chr2:8,731,186, plus strand): 5'-TCTTGCAGGCCACTCAGGCTATGTGGGATTCCCCGCTTTCCGCTGTGACTGTCATCTTCC[A>G]GCTCTATGAGATTTGCCTTTTCAAGCTGGGAGTCATCCGCCACTTCATTGTGCAGAGAGT-3'
Protein context (NP_065789.1, residues 1607-1627): SQLEKANLIE[Leu1617Pro]EDDSHSGKRG

ClinVar aggregate classification (germline): Uncertain significance. Review status: criteria provided, multiple submitters, no conflicts (2 of 4 stars). 3 submissions from 3 submitters: Uncertain significance (3). Last evaluated 2026-08-13.

Conditions:
KIDINS220-related disorder. Also called: KIDINS220-related condition.
Spastic paraplegia, intellectual disability, nystagmus, and obesity. Also called: Spastic paraplegia, intellectual disability, nystagmus, and obesity;. Identifiers: Orphanet 521390, MedGen C4284592, MONDO:0015007, OMIM 617296.
Inborn genetic diseases. Identifiers: MedGen C0950123, MeSH D030342.

Submissions (3):

Ambry Genetics
Classification: Uncertain significance for Inborn genetic diseases. Last evaluated: 2026-08-13. Review status: criteria provided, single submitter. Criteria: Ambry Variant Classification Scheme 2023. Collection method: clinical testing. Allele origin: germline.

PreventionGenetics, part of Exact Sciences
Classification: Uncertain significance for KIDINS220-related condition. Last evaluated: 2025-03-31. Review status: criteria provided, single submitter. Criteria: ACMG Guidelines, 2015. Collection method: clinical testing. Allele origin: germline.
Comment: The KIDINS220 c.4850T>C variant is predicted to result in the amino acid substitution p.Leu1617Pro. To our knowledge, this variant has not been reported in the literature or in a large population database (gnomAD), indicating this variant is rare. At this time, the clinical significance of this variant is uncertain due to the absence of conclusive functional and genetic evidence.

New York Genome Center
Classification: Uncertain significance for Spastic paraplegia, intellectual disability, nystagmus, and obesity. Last evaluated: 2021-04-30. Review status: criteria provided, single submitter. Criteria: NYGC Assertion Criteria 2020. Collection method: clinical testing. Allele origin: inherited. Observed: 1 heterozygote. Study: CSER-NYCKidSeq.